The following is an entry in ClinVar:

ClinVar aggregate classification (germline): Pathogenic (1 of 4 stars; one submission).

Conditions:
Rubinstein-Taybi syndrome (RSTS). Identifiers: Orphanet 783, MedGen C0035934, MONDO:0019188.

Submission:

Labcorp Genetics (formerly Invitae), Labcorp
Classification: Pathogenic for Rubinstein-Taybi syndrome. Last evaluated: 2020-09-24. Review status: criteria provided, single submitter. Criteria: Invitae Variant Classification Sherloc (09022015). Collection method: clinical testing. Allele origin: germline.
Comment: For these reasons, this variant has been classified as Pathogenic. Loss-of-function variants in CREBBP are known to be pathogenic (PMID: 17052327, 18792986). A similar deletion of exon 1 has been reported in individual(s) with Rubinstein-Taybi syndrome (PMID: 15706485, 20358623). This variant is a gross deletion of the genomic region encompassing exon 1 of the CREBBP gene, which includes the initiator codon. The 5' end of this event is unknown as it extends beyond the assayed region for this gene and therefore may encompass additional genes. The 3' boundary is likely confined to intron 1 of the CREBBP gene. This is expected to result in an absent or disrupted protein product.

Literature cited by the submitters: PubMed 17052327; PubMed 18792986; PubMed 15706485; PubMed 20358623.

NC_000016.10:g.(?_3879812)_(3879936_?)del

Gene: CREBBP (CREB binding lysine acetyltransferase; minus strand). Cytogenetic location: 16p13.3.
Variant type: Deletion.
Identifiers: ClinVar variation 831960 (VCV000831960.7).